The following is an entry in ClinVar:

NM_000443.4(ABCB4):c.1768C>T (p.Arg590Ter)

Gene: ABCB4 (ATP binding cassette subfamily B member 4; minus strand). Cytogenetic location: 7q21.12.
Variant type: single nucleotide variant.
Coding change: c.1768C>T on transcript NM_000443.4 (MANE Select); coding-DNA position 1768, C replaced by T.
Protein change: p.Arg590Ter; replaces arginine 590 with a stop codon.
Molecular consequence: nonsense.
Genome position (GRCh38, 1-based): chr7:87,431,529, G>A on the plus strand (C>T on the coding strand, the complement: ABCB4 is on the minus strand). VCF-style: chr7-87431529-G-A. GRCh37 (hg19) VCF-style: chr7-87060845-G-A.
Other names: c.1768C>T, p.Arg590Ter (NM_018849.3, NM_018850.3); c.1768C>T (NM_000443.3); short protein forms R590*.
Identifiers: ClinVar variation 2735041 (VCV002735041.6), dbSNP rs1293893301, ClinGen allele CA368035336.

ClinVar aggregate classification (germline): Pathogenic. Review status: criteria provided, multiple submitters, no conflicts (2 of 4 stars). 4 submissions from 4 submitters: Pathogenic (4). Last evaluated 2026-05-06.

Conditions:
ABCB4-related disorder. Also called: ABCB4-related disorders; ABCB4-related condition.
Familial intrahepatic cholestasis. Identifiers: Orphanet 284385, MedGen CN296401, MONDO:0017290.
Progressive familial intrahepatic cholestasis type 3. Also called: MDR3 DEFICIENCY; Low Gamma-GT Familial Intrahepatic Cholestasis. Identifiers: Orphanet 79305, MedGen C1865643, MONDO:0011214, OMIM 602347.

Allele frequency attached by ClinVar (database versions not stated): TOPMed below 0.00001; gnomAD 0.00001.
gnomAD v4.1: 4 of 1,613,924 alleles (0.00025%); highest among the groups gnomAD compares: Non-Finnish European, 0.00034%; no homozygotes.

Submissions (4):

PreventionGenetics, part of Exact Sciences
Classification: Pathogenic for ABCB4-related condition. Last evaluated: 2026-05-06. Review status: criteria provided, single submitter. Criteria: ACMG Guidelines, 2015. Collection method: clinical testing. Allele origin: germline.
Comment: The ABCB4 c.1768C>T variant is predicted to result in premature protein termination (p.Arg590*). This variant was reported in an individual with low phospholipid associated cholelithiasis (Davit-Spraul et al. 2010. PubMed ID: 20422496). This variant is reported in just one heterozygous individual in the gnomAD database. Nonsense variants in ABCB4 are expected to be pathogenic. This variant is interpreted as pathogenic.

Genomenon, Inc
Classification: Pathogenic for Familial intrahepatic cholestasis. Last evaluated: 2026-04-14. Review status: criteria provided, single submitter. Criteria: Genomenon Sequence Variant Interpretation Standards - Updated. Collection method: curation. Allele origin: germline. Affected: yes.
Comment: ABCB4 p.Arg590Ter (c.1768C>T) is a nonsense variant that introduces a premature stop codon at amino acid position 590, creating a truncated protein that is predicted to undergo nonsense-mediated mRNA decay. This variant has been observed in at least one proband with an ABCB4-related disorder (PMID:38343606;36550572). The variant was found to segregate with disease in at least one affected family (PMID:36550572). It is absent or not present at a significant frequency in gnomAD. In conclusion, we classify ABCB4 p.Arg590Ter (c.1768C>T) as a pathogenic variant.

Labcorp Genetics (formerly Invitae), Labcorp
Classification: Pathogenic. Last evaluated: 2022-11-23. Review status: criteria provided, single submitter. Criteria: Invitae Variant Classification Sherloc (09022015). Collection method: clinical testing. Allele origin: germline.
Comment: This sequence change creates a premature translational stop signal (p.Arg590*) in the ABCB4 gene. It is expected to result in an absent or disrupted protein product. Loss-of-function variants in ABCB4 are known to be pathogenic (PMID: 17726488, 25755532). For these reasons, this variant has been classified as Pathogenic. This premature translational stop signal has been observed in individual(s) with autosomal recessive cholestasis (PMID: 20422496). This variant is present in population databases (no rsID available, gnomAD no frequency).

Victorian Clinical Genetics Services, Murdoch Childrens Research Institute
Classification: Pathogenic for Progressive familial intrahepatic cholestasis type 3. Last evaluated: 2021-05-06. Review status: criteria provided, single submitter. Criteria: ACMG Guidelines, 2015. Collection method: clinical testing. Allele origin: germline.
Comment: Based on the classification scheme VCGS_Germline_v1.3.4, this variant is classified as Pathogenic. Following criteria are met: 0102 - Loss of function is a known mechanism of disease in this gene and is associated with intrahepatic cholestasis of pregnancy, 3 (ICP-3), low phospholipid-associated cholelithiasis (LPAC) and progressive familial intrahepatic cholestasis, 3 (PFIC) (MIM# 614972, 600803, 602347). (I) 0108 - This gene is associated with both recessive and dominant disease. There is currently no clear genotype-phenotype correlation however, LPAC and ICP are commonly associated with autosomal dominant unless the variant leads to a partially functional protein, allowing for recessive inheritance (PMID: 32376413). (I) 0112 - The condition associated with this gene has incomplete penetrance. A single case of an asymptomatic sibling homozygous for a null variant has been reported (PMID: 32376413). (I) 0201 - Variant is predicted to cause nonsense-mediated decay (NMD) and loss of protein (premature termination codon is located at least 54 nucleotides upstream of the final exon-exon junction). (SP) 0251 - This variant is heterozygous. (I) 0304 - Variant is present in gnomAD <0.01 (v3: 1 heterozygote, 0 homozygotes). (SP) 0701 - Other NMD-predicted variants comparable to the one identified in this case have very strong previous evidence for pathogenicity (ClinVar). (SP) 0807 - This variant has no previous evidence of pathogenicity. (I) 0905 - No published segregation evidence has been identified for this variant. (I) 1007 - No published functional evidence has been identified for this variant. (I) 1102 - Strong phenotype match for this individual. (SP) 1208 - Inheritance information for this variant is not currently available in this individual. (I) Legend: (SP) - Supporting pathogenic, (I) - Information, (SB) - Supporting benign

Literature cited by the submitters: PubMed 38343606 (cited by Genomenon, Inc); PubMed 36550572 (cited by Genomenon, Inc); PubMed 17726488 (cited by Labcorp Genetics (formerly Invitae), Labcorp); PubMed 25755532 (cited by Labcorp Genetics (formerly Invitae), Labcorp); PubMed 20422496 (cited by Labcorp Genetics (formerly Invitae), Labcorp); PubMed 32376413 (cited by Victorian Clinical Genetics Services, Murdoch Childrens Research Institute).